The following is an entry in ClinVar:

NM_000551.4(VHL):c.397A>C (p.Thr133Pro)

Genes: VHL (von Hippel-Lindau tumor suppressor; plus strand), LOC107303340 (3p25 von Hippel-Lindau tumor suppressor, E3 ubiquitin protein ligase Alu-mediated recombination region; plus strand). Cytogenetic location: 3p25.3.
Variant type: single nucleotide variant.
Coding change: c.397A>C on transcript NM_000551.4 (MANE Select); coding-DNA position 397, A replaced by C.
Protein change: p.Thr133Pro; replaces threonine 133 with proline.
Molecular consequence: missense variant. On other transcripts: intron variant (2).
Genome position (GRCh38, 1-based): chr3:10,146,570, A>C. VCF-style: chr3-10146570-A-C. GRCh37 (hg19) VCF-style: chr3-10188254-A-C.
Other names: c.*18-3217A>C (NM_001354723.2); c.341-3217A>C (NM_198156.3); short protein forms T133P.
Identifiers: ClinVar variation 428808 (VCV000428808.5), dbSNP rs1131690961, ClinGen allele CA351753973.
Genomic context (GRCh38, chr3:10,146,570, plus strand): 5'-ATAGGTCACCTTTGGCTCTTCAGAGATGCAGGGACACACGATGGGCTTCTGGTTAACCAA[A>C]CTGAATTATTTGTGCCATCTCTCAATGTTGACGGACAGCCTATTTTTGCCAATATCACAC-3'
Protein context (NP_000542.1, residues 123-143): GTHDGLLVNQ[Thr133Pro]ELFVPSLNVD

ClinVar aggregate classification (germline): Likely pathogenic (1 of 4 stars; one submission).

Conditions:
Hereditary cancer-predisposing syndrome. Also called: Hereditary Cancer Syndrome; Neoplastic Syndromes, Hereditary; Hereditary neoplastic syndrome; Tumor predisposition. Identifiers: Orphanet 140162, MedGen C0027672, MeSH D009386, MONDO:0015356.

Submission:

Ambry Genetics
Classification: Likely pathogenic for Hereditary cancer-predisposing syndrome. Last evaluated: 2015-03-06. Review status: criteria provided, single submitter. Criteria: Ambry Variant Classification Scheme 2023. Collection method: clinical testing. Allele origin: germline.
Comment: The p.T133P variant (also known as c.397A>C), located in coding exon 2 of the VHL gene, results from an A to C substitution at nucleotide position 397. The threonine at codon 133 is replaced by proline, an amino acid with highly similar properties. This variant has been described in two individuals with VHL. This variant was not reported in population based cohorts in the following databases: Database of Single Nucleotide Polymorphisms (dbSNP), NHLBI Exome Sequencing Project (ESP), and 1000 Genomes Project. In the ESP, this variant was not observed in 6503 samples (13006 alleles) with coverage at this position. To date, this alteration has been detected with an allele frequency of approximately 0.02% (greater than 4300 alleles tested) in our clinical cohort. This amino acid position is highly conserved in available vertebrate species. Structural analysis indicates proline introduces local strain and is destabilizing to the VHL fold (Nguyen HC et al Structure 2015 Mar;23(3):441-449)(Internal Ambry Data). In addition, this alteration is predicted to be deleterious by in silico analysis. Based on the majority of available evidence to date, this variant is likely to be pathogenic.